The following is an entry in ClinVar:

ClinVar aggregate classification (germline): Pathogenic. Review status: criteria provided, multiple submitters, no conflicts (2 of 4 stars). 2 submissions from 2 submitters: Pathogenic (2). Last evaluated 2024-08-12.

Conditions:
Epidermolysis bullosa simplex with nail dystrophy (EBS5D). Identifiers: MedGen C4225309, MONDO:0014661, OMIM 616487.
Epidermolysis bullosa simplex 5C, with pyloric atresia (EBS5C). Also called: PLEC-Related Epidermolysis Bullosa with Pyloric Atresia; Epidermolysis bullosa simplex with pyloric atresia; PLEC1-Related Epidermolysis Bullosa with Pyloric Atresia. Identifiers: Orphanet 158684, MedGen C2677349, MONDO:0012807, OMIM 612138.
Autosomal recessive limb-girdle muscular dystrophy type 2Q (LGMDR17). Also called: MUSCULAR DYSTROPHY, LIMB-GIRDLE, AUTOSOMAL RECESSIVE 17. Identifiers: Orphanet 254361, MedGen C3150989, MONDO:0013390, OMIM 613723.
Epidermolysis bullosa simplex, Ogna type (EBS5A). Also called: Pidermolysis bullosa simplex 5A, Ogna type; EPIDERMOLYSIS BULLOSA SIMPLEX 5A, OGNA TYPE. Identifiers: Orphanet 79401, MedGen C0432317, MONDO:0007555, OMIM 131950.
Epidermolysis bullosa simplex 5B, with muscular dystrophy (EBS5B). Also called: EPIDERMOLYSIS BULLOSA SIMPLEX AND LIMB-GIRDLE MUSCULAR DYSTROPHY; Epidermolysis bullosa simplex with muscular dystrophy. Identifiers: Orphanet 257, MedGen C2931072, MONDO:0009181, OMIM 226670.

Allele frequency attached by ClinVar (database versions not stated): gnomAD exomes below 0.00001; TOPMed below 0.00001.
gnomAD v4.1: 1 of 1,612,324 alleles (0.000062%); highest among the groups gnomAD compares: Non-Finnish European, 0.000085%; no homozygotes.

Submissions (2):

Revvity Omics, Revvity
Classification: Pathogenic. Last evaluated: 2024-08-12. Review status: criteria provided, single submitter. Criteria: ACMG Guidelines, 2015. Collection method: clinical testing. Allele origin: germline.

Labcorp Genetics (formerly Invitae), Labcorp
Classification: Pathogenic for Autosomal recessive limb-girdle muscular dystrophy type 2Q; Epidermolysis bullosa simplex, Ogna type; Epidermolysis bullosa simplex with nail dystrophy; Epidermolysis bullosa simplex 5C, with pyloric atresia; Epidermolysis bullosa simplex 5B, with muscular dystrophy. Last evaluated: 2024-07-22. Review status: criteria provided, single submitter. Criteria: Invitae Variant Classification Sherloc (09022015). Collection method: clinical testing. Allele origin: germline.
Comment: This sequence change creates a premature translational stop signal (p.Arg586*) in the PLEC gene. It is expected to result in an absent or disrupted protein product. Loss-of-function variants in PLEC are known to be pathogenic (PMID: 20301336, 20447487, 21109228, 23289980, 28824526). This variant is not present in population databases (gnomAD no frequency). This premature translational stop signal has been observed in individual(s) with autosomal recessive epidermolysis bullosa (PMID: 34046686). This variant is also known as R559X. For these reasons, this variant has been classified as Pathogenic.

Literature cited by the submitters: PubMed 20301336 (cited by Labcorp Genetics (formerly Invitae), Labcorp); PubMed 20447487 (cited by Labcorp Genetics (formerly Invitae), Labcorp); PubMed 21109228 (cited by Labcorp Genetics (formerly Invitae), Labcorp); PubMed 23289980 (cited by Labcorp Genetics (formerly Invitae), Labcorp); PubMed 28824526 (cited by Labcorp Genetics (formerly Invitae), Labcorp); PubMed 34046686 (cited by Labcorp Genetics (formerly Invitae), Labcorp).

NM_201384.3(PLEC):c.1675C>T (p.Arg559Ter)

Gene: PLEC (plectin; minus strand). Cytogenetic location: 8q24.3.
Variant type: single nucleotide variant.
Coding change: c.1675C>T on transcript NM_201384.3 (MANE Select); coding-DNA position 1675, C replaced by T.
Protein change: p.Arg559Ter; replaces arginine 559 with a stop codon.
Molecular consequence: nonsense.
Genome position (GRCh38, 1-based): chr8:143,932,855, G>A on the plus strand (C>T on the coding strand, the complement: PLEC is on the minus strand). VCF-style: chr8-143932855-G-A. GRCh37 (hg19) VCF-style: chr8-145007023-G-A.
Other names: c.1756C>T, p.Arg586Ter (NM_000445.5, NM_001410941.1); c.1633C>T, p.Arg545Ter (NM_201378.4); c.1609C>T, p.Arg537Ter (NM_201379.3); c.2086C>T, p.Arg696Ter (NM_201380.4); c.1579C>T, p.Arg527Ter (NM_201381.3); c.1675C>T, p.Arg559Ter (NM_201382.4); c.1687C>T, p.Arg563Ter (NM_201383.3); short protein forms R537*, R527*, R545*, R586*, R559*, R563*, R696*.
Identifiers: ClinVar variation 2938094 (VCV002938094.4), dbSNP rs1827804297, ClinGen allele CA372579465.